The following is an entry in ClinVar:

NM_000492.4(CFTR):c.2417A>G (p.Asp806Gly)

Gene: CFTR (CF transmembrane conductance regulator; plus strand). Cytogenetic location: 7q31.2.
Variant type: single nucleotide variant.
Coding change: c.2417A>G on transcript NM_000492.4 (MANE Select); coding-DNA position 2417, A replaced by G.
Protein change: p.Asp806Gly; replaces aspartic acid 806 with glycine.
Molecular consequence: missense variant.
Genome position (GRCh38, 1-based): chr7:117,592,584, A>G. VCF-style: chr7-117592584-A-G. GRCh37 (hg19) VCF-style: chr7-117232638-A-G.
Other names: short protein forms D806G.
Identifiers: ClinVar variation 53487 (VCV000053487.49), dbSNP rs397508375, ClinGen allele CA326813.

ClinVar aggregate classification (germline): Conflicting classifications of pathogenicity. Review status: criteria provided, conflicting classifications (1 of 4 stars). 21 submissions from 18 submitters: Pathogenic (3); Likely pathogenic (11); Uncertain significance (5). 2 of the submissions do not count toward it. Last evaluated 2025-12-08.

Conditions:
CFTR-related disorder (CFTR-RD). Also called: CFTR-related disorders; CFTR-related condition. Identifiers: MedGen C5924204, MONDO:7770004.
Cystic fibrosis (CF). Also called: MUCOVISCIDOSIS. Identifiers: Orphanet 586, MedGen C0010674, MONDO:0009061, OMIM 219700. Disease mechanism: loss of function.
Congenital bilateral aplasia of vas deferens from CFTR mutation (CBAVD). Identifiers: Orphanet 48, MedGen C0403814, MONDO:0010178, OMIM 277180. Disease mechanism: loss of function.
Hereditary pancreatitis (PCTT). Also called: PRSS1-Related Hereditary Pancreatitis; Hereditary chronic pancreatitis. Identifiers: Orphanet 676, MedGen C0238339, MONDO:0008185, OMIM 167800.
Bronchiectasis with or without elevated sweat chloride 1 (BESC1). Also called: Cystic Fibrosis-Like Syndrome. Identifiers: Orphanet 60033, MedGen C2749757, MONDO:0008887, OMIM 211400.

Allele frequency attached by ClinVar (database versions not stated): TOPMed 0.00001; ExAC 0.00001; gnomAD exomes 0.00001.
gnomAD v4.1: 18 of 1,529,778 alleles (0.0012%); highest among the groups gnomAD compares: Middle Eastern, 0.018%; no homozygotes.

Submissions 1 to 9 of 21:

Labcorp Genetics (formerly Invitae), Labcorp
Classification: Pathogenic for Cystic fibrosis. Last evaluated: 2025-12-08. Review status: criteria provided, single submitter. Criteria: Invitae Variant Classification Sherloc (09022015). Collection method: clinical testing. Allele origin: germline.
Comment: This sequence change replaces aspartic acid, which is acidic and polar, with glycine, which is neutral and non-polar, at codon 806 of the CFTR protein (p.Asp806Gly). This variant is present in population databases (rs397508375, gnomAD 0.005%). This missense change has been observed in individual(s) with cystic fibrosis (PMID: 12544470, 30548586, 32429104; internal data). In at least one individual the data is consistent with being in trans (on the opposite chromosome) from a pathogenic variant. ClinVar contains an entry for this variant (Variation ID: 53487). Invitae Evidence Modeling of protein sequence and biophysical properties (such as structural, functional, and spatial information, amino acid conservation, physicochemical variation, residue mobility, and thermodynamic stability) indicates that this missense variant is expected to disrupt CFTR protein function with a positive predictive value of 80%. For these reasons, this variant has been classified as Pathogenic.

Natera, Inc.
Classification: Likely pathogenic for CFTR-related disorders. Last evaluated: 2025-12-01. Review status: criteria provided, single submitter. Criteria: Natera Variant Classification Schema (03/2026). Collection method: clinical testing. Allele origin: germline.
Comment: The c.2417A>G variant in CFTR is a missense variant predicted to cause substitution of aspartic acid to glycine at amino acid 806. This variant is rare in the general population with a frequency below the threshold expected for the associated phenotype(s). This variant has been observed in one or more individuals affected with the associated recessive disease, as either homozygous or compound heterozygous with a second variant (PMID: 12544470, 27423539, 30548586). Computational prediction algorithms indicate this variant is likely to affect gene or protein function. Given the available evidence, this variant is classified as Likely Pathogenic.

Dasa
Classification: Likely pathogenic. Last evaluated: 2025-11-05. Review status: criteria provided, single submitter. Criteria: DASA Assertion Criteria. Collection method: clinical testing. Allele origin: germline.
Comment: NM_000492.4(CFTR):c.2417A>G (p.Asp806Gly) is a missense variant that results in the substitution of aspartic acid with glycine. This variant has been recurrently observed in individuals with CFTR-related disorders (PMID: 30548586; PMID: 12544470; PMID: 34740355; PMID: 39677473). Also, this variant is rare in population databases. Computational evidence supports a deleterious effect. Based on the currently available evidence, this variant is classified as likely pathogenic.

Women's Health and Genetics/Laboratory Corporation of America, LabCorp
Classification: Likely pathogenic for Cystic fibrosis. Last evaluated: 2025-09-15. Review status: criteria provided, single submitter. Criteria: LabCorp Variant Classification Summary - May 2015. Collection method: clinical testing. Allele origin: germline.
Comment: Variant summary: CFTR c.2417A>G (p.Asp806Gly) results in a non-conservative amino acid change located in the CFTR regulator domain (IPR025837) of the encoded protein sequence. Algorithms developed to predict the effect of missense changes on protein structure and function all suggest that this variant is likely to be disruptive. The variant allele was found at a frequency of 1.1e-05 in 179966 control chromosomes.c.2417A>G has been observed in the compound heterozygous state in individuals affected with cystic fibrosis (Strom_2003, Petrova_2019), however, it was also observed in trans with a pathogenic variant (p.F508del) in a newborn with a negative sweat test (Narzi_2007). In addition, the variant was listed to be found in cohorts of CF patients and newborns with positive screening tests, however no second variant was specified in these cases (Atag_2019, PIcci_2010, Bozdogan_2021). These data indicate that the variant may be associated with disease. At least one publication reports experimental evidence evaluating an impact on protein function, demonstrating that the variant resulted in approximately 50% of normal chloride channel conductance relative to wild type (Bihler_2024). The following publications have been ascertained in the context of this evaluation (PMID: 30938940, 38388235, 33572515, 25880441, 34405919, 17594398, 30548586, 19897426, 25735457, 12544470, 36717774). ClinVar contains an entry for this variant (Variation ID: 53487). Based on the evidence outlined above, the variant was classified as likely pathogenic.

PreventionGenetics, part of Exact Sciences
Classification: Uncertain significance for CFTR-related condition. Last evaluated: 2025-09-09. Review status: criteria provided, single submitter. Criteria: ACMG Guidelines, 2015. Collection method: clinical testing. Allele origin: germline.
Comment: The CFTR c.2417A>G variant is predicted to result in the amino acid substitution p.Asp806Gly. This variant has been reported in the compound heterozygous state in two individuals with cystic fibrosis (CF) and one individual diagnosed with CF where a second disease-causing variant was not clearly described (Strom et al. 2003. PubMed ID: 12544470; Atag et al 2019. PubMed ID: 30938940; Petrova et al. 2020. PubMed ID: 32429104). This variant has also been reported in the compound heterozygous state with the p.Phe508del variant in a newborn who had elevated immunoreactive trypsinogen but a negative sweat test, although this individual was not followed long term and additional clinical details are not provided (Narzi et al. 2007. PubMed ID: 17594398). This variant is reported in two individuals with pancreatitis, a CFTR-related disease, in the CFTR-France database. This variant was detected 7 times in a large cohort of individuals with abnormal newborn screening results, but it is unclear if those individuals carried additional variants in the CFTR gene (Bozdogan et al. 2021. PubMed ID: 33572515). This variant is reported in 0.0049% of alleles in individuals of Latino descent in gnomAD. Although we suspect that this variant may be pathogenic, at this time, the clinical significance of this variant is uncertain due to the absence of conclusive functional and genetic evidence.

First Genomix Gene Laboratory, Genetic Diagnostics Department
Classification: Likely pathogenic for Congenital bilateral aplasia of vas deferens from CFTR mutation; Cystic fibrosis. Last evaluated: 2025-08-04. Review status: criteria provided, single submitter. Criteria: ACMG Guidelines, 2015. Collection method: clinical testing. Allele origin: germline. Inheritance: Autosomal recessive inheritance. Affected: no. Observed: 1 variant allele.

Revvity Omics, Revvity
Classification: Likely pathogenic. Last evaluated: 2025-07-30. Review status: criteria provided, single submitter. Criteria: ACMG Guidelines, 2015. Collection method: clinical testing. Allele origin: germline.

Ambry Genetics
Classification: Uncertain significance for Cystic fibrosis. Last evaluated: 2025-05-28. Review status: criteria provided, single submitter. Criteria: Ambry Variant Classification Scheme 2023. Collection method: clinical testing. Allele origin: germline.
Comment: The p.D806G variant (also known as c.2417A>G), located in coding exon 14 of the CFTR gene, results from an A to G substitution at nucleotide position 2417. The aspartic acid at codon 806 is replaced by glycine, an amino acid with similar properties. This alteration has been identified in multiple individuals diagnosed with cystic fibrosis that also carried p.F508del (Strom CM et al. Genet Med;5:9-14; Petrova NV et al. Clin Genet, 2019 03;95:444-447). This alteration was also reported in trans with the p.F508del mutation in a newborn with a negative sweat test (Narzi L et al. Clin. Genet., 2007 Jul;72:39-46). This alteration has also been identified in an individual diagnosed with pancreatic cancer (Tavano F et al. Mol Med, 2023 Jan;29:14). This amino acid position is highly conserved in available vertebrate species. In addition, this alteration is predicted to be deleterious by in silico analysis. Based on the available evidence, the clinical significance of this variant remains unclear.

Quest Diagnostics Nichols Institute San Juan Capistrano
Classification: Likely pathogenic. Last evaluated: 2025-04-18. Review status: criteria provided, single submitter. Criteria: Quest Diagnostics criteria. Collection method: clinical testing. Allele origin: unknown.
Comment: The CFTR c.2417A>G (p.Asp806Gly) variant has been reported in the published literature in individuals affected with cystic fibrosis, one with a positive sweat test (PMID: 17594398 (2007)). This variant has been reported to result in inconclusive results on the effect this variant has on protein function (PMID: 38388235 (2024)). The frequency of this variant in the general population (Genome Aggregation Database) is uninformative in the assessment of its pathogenicity. Analysis of this variant using bioinformatics tools for the prediction of the effect of amino acid changes on protein structure and function yielded predictions that this variant is damaging. Based on the available information, this variant is classified as likely pathogenic.